The following is an entry in ClinVar:

ClinVar aggregate classification (germline): Uncertain significance. Review status: criteria provided, multiple submitters, no conflicts (2 of 4 stars). 2 submissions from 2 submitters: Uncertain significance (2). Last evaluated 2024-01-28.

Conditions:
Paramyotonia congenita of Von Eulenburg. Also called: PARALYSIS PERIODICA PARAMYOTONICA; Paramyotonia Congenita; Eulenburg disease; Myotonia congenita intermittens; Von Eulenburg paramyotonia congenita. Identifiers: Orphanet 684, MedGen C0221055, MONDO:0008195, OMIM 168300. Disease mechanism: loss of function.
Congenital myasthenic syndrome 16. Identifiers: Orphanet 590, MedGen C3280112, MONDO:0013620, OMIM 614198.
Potassium-aggravated myotonia. Also called: MYOTONIA CONGENITA, ACETAZOLAMIDE-RESPONSIVE; MYOTONIA CONGENITA, ATYPICAL; SODIUM CHANNEL MUSCLE DISEASE; Myotonia congenita, atypical, acetazolamide-responsive. Identifiers: Orphanet 612, Orphanet 99734, Orphanet 99735, Orphanet 99736, MedGen C2931826, MONDO:0018959, OMIM 608390.
Hypokalemic periodic paralysis, type 2 (HOKPP2). Identifiers: Orphanet 681, MedGen C2750061, MONDO:0013234, OMIM 613345.
Hyperkalemic periodic paralysis. Also called: Familial hyperkalemic periodic paralysis; Gamstorp disease. Identifiers: Orphanet 682, MedGen C0238357, MONDO:0008224, OMIM 170500, HP:0007215.
Congenital myopathy 22A, classic (CMYO22A). Identifiers: MedGen C5830453, MONDO:0957247, OMIM 620351.
Congenital myopathy 22B, severe fetal (CMYO22B). Identifiers: MedGen C5830501, MONDO:0957265, OMIM 620369.

Allele frequency attached by ClinVar (database versions not stated): gnomAD exomes 0.00004 and 0.00002; ExAC 0.00008.
gnomAD v4.1: 9 of 1,610,326 alleles (0.00056%); highest among the groups gnomAD compares: Admixed American, 0.015%; no homozygotes.

Submissions (2):

Fulgent Genetics
Classification: Uncertain significance for Paramyotonia congenita of Von Eulenburg; Hyperkalemic periodic paralysis; Potassium-aggravated myotonia; Hypokalemic periodic paralysis, type 2; Congenital myasthenic syndrome 16; Congenital myopathy 22A, classic; Congenital myopathy 22B, severe fetal. Last evaluated: 2024-01-28. Review status: criteria provided, single submitter. Criteria: ACMG Guidelines, 2015. Collection method: clinical testing. Allele origin: germline.

Labcorp Genetics (formerly Invitae), Labcorp
Classification: Uncertain significance for Hyperkalemic periodic paralysis. Last evaluated: 2022-08-10. Review status: criteria provided, single submitter. Criteria: Invitae Variant Classification Sherloc (09022015). Collection method: clinical testing. Allele origin: germline.
Comment: This sequence change replaces proline, which is neutral and non-polar, with serine, which is neutral and polar, at codon 192 of the SCN4A protein (p.Pro192Ser). This variant is present in population databases (rs751749964, gnomAD 0.02%). This variant has not been reported in the literature in individuals affected with SCN4A-related conditions. ClinVar contains an entry for this variant (Variation ID: 1395182). Algorithms developed to predict the effect of missense changes on protein structure and function (SIFT, PolyPhen-2, Align-GVGD) all suggest that this variant is likely to be disruptive. In summary, the available evidence is currently insufficient to determine the role of this variant in disease. Therefore, it has been classified as a Variant of Uncertain Significance.

NM_000334.4(SCN4A):c.574C>T (p.Pro192Ser)

Gene: SCN4A (sodium voltage-gated channel alpha subunit 4; minus strand). Cytogenetic location: 17q23.3.
Variant type: single nucleotide variant.
Coding change: c.574C>T on transcript NM_000334.4 (MANE Select); coding-DNA position 574, C replaced by T.
Protein change: p.Pro192Ser; replaces proline 192 with serine.
Molecular consequence: missense variant.
Genome position (GRCh38, 1-based): chr17:63,971,759, G>A on the plus strand (C>T on the coding strand, the complement: SCN4A is on the minus strand). VCF-style: chr17-63971759-G-A. GRCh37 (hg19) VCF-style: chr17-62049119-G-A.
Other names: short protein forms P192S.
Identifiers: ClinVar variation 1395182 (VCV001395182.10), dbSNP rs751749964, ClinGen allele CA8710112.
Genomic context (GRCh38, chr17:63,971,759, plus strand): 5'-GATGTCCTGGGGCCCCTGCTCACGCCATCATGATGACACTGAAGTCCAGCCAGTTCCAGG[G>A]GTCCCGGAGGAATGTGAAGTCGTCGACACAGAAGCCTCGGGCCAGTATCTTGATGAGGGA-3'
Protein context (NP_000325.4, residues 182-202): CVDDFTFLRD[Pro192Ser]WNWLDFSVIM